The following is an entry in ClinVar:

ClinVar aggregate classification (germline): Uncertain significance (1 of 4 stars; one submission).

Submission:

GeneDx
Classification: Uncertain significance. Last evaluated: 2019-12-10. Review status: criteria provided, single submitter. Criteria: GeneDx Variant Classification Process June 2021. Collection method: clinical testing. Allele origin: germline. Affected: yes.
Comment: Not observed in large population cohorts (Lek et al., 2016); In-frame insertion of 4 amino acids in a non-repeat region; Has not been previously published as pathogenic or benign to our knowledge

NM_001042492.3(NF1):c.5193_5194insAATGCCACCTTG (p.Leu1731_Ala1732insAsnAlaThrLeu)

Gene: NF1 (neurofibromin 1; plus strand). Cytogenetic location: 17q11.2.
Variant type: Insertion.
Coding change: c.5193_5194insAATGCCACCTTG on transcript NM_001042492.3 (MANE Select); coding-DNA positions 5193 to 5194, AATGCCACCTTG inserted.
Protein change: p.Leu1731_Ala1732insAsnAlaThrLeu.
Molecular consequence: inframe insertion. On other transcripts: inframe indel (1).
Genome position: GRCh38 VCF-style: chr17-31326167-C-CTGCCACCTTGAA. GRCh37 (hg19) VCF-style: chr17-29653185-C-CTGCCACCTTGAA.
Other names: c.5130_5131insAATGCCACCTTG, p.Leu1710_Ala1711insAsnAlaThrLeu (NM_000267.4).
Identifiers: ClinVar variation 1320849 (VCV001320849.2), dbSNP rs2151538831, ClinGen allele CA2573054390.
Genomic context (GRCh38, chr17:31,326,167, plus strand): 5'-TCATAGACTGTCCTGGGAAACTGGCTGAGCACATAGAGCATGAACAACAGAAACTACCTG[C>CTGCCACCTTGAA]TGCCACCTTGGCTTTAGAAGAGGACCTGAAGGTATTCCACAATGCTCTCAAGCTAGCTCA-3'